The following is an entry in ClinVar:

ClinVar aggregate classification (germline): Uncertain significance (1 of 4 stars; one submission).

gnomAD v4.1: 4 of 1,613,488 alleles (0.00025%); highest among the groups gnomAD compares: Non-Finnish European, 0.00034%; no homozygotes.

Submission:

Labcorp Genetics (formerly Invitae), Labcorp
Classification: Uncertain significance. Last evaluated: 2024-10-28. Review status: criteria provided, single submitter. Criteria: Invitae Variant Classification Sherloc (09022015). Collection method: clinical testing. Allele origin: germline.
Comment: This sequence change replaces aspartic acid, which is acidic and polar, with glutamic acid, which is acidic and polar, at codon 559 of the HERC1 protein (p.Asp559Glu). This variant is not present in population databases (gnomAD no frequency). This variant has not been reported in the literature in individuals affected with HERC1-related conditions. ClinVar contains an entry for this variant (Variation ID: 1961953). Invitae Evidence Modeling of protein sequence and biophysical properties (such as structural, functional, and spatial information, amino acid conservation, physicochemical variation, residue mobility, and thermodynamic stability) indicates that this missense variant is not expected to disrupt HERC1 protein function with a negative predictive value of 80%. In summary, the available evidence is currently insufficient to determine the role of this variant in disease. Therefore, it has been classified as a Variant of Uncertain Significance.

NM_003922.4(HERC1):c.1677C>A (p.Asp559Glu)

Gene: HERC1 (HECT and RLD domain containing E3 ubiquitin protein ligase family member 1; minus strand). Cytogenetic location: 15q22.31.
Variant type: single nucleotide variant.
Coding change: c.1677C>A on transcript NM_003922.4 (MANE Select); coding-DNA position 1677, C replaced by A.
Protein change: p.Asp559Glu; replaces aspartic acid 559 with glutamic acid.
Molecular consequence: missense variant.
Genome position (GRCh38, 1-based): chr15:63,754,602, G>T on the plus strand (C>A on the coding strand, the complement: HERC1 is on the minus strand). VCF-style: chr15-63754602-G-T. GRCh37 (hg19) VCF-style: chr15-64046801-G-T.
Other names: short protein forms D559E.
Identifiers: ClinVar variation 1961953 (VCV001961953.4), dbSNP rs1423664366, ClinGen allele CA392803724.